The following is an entry in ClinVar:

NM_000807.4(GABRA2):c.805C>G (p.Gln269Glu)

Gene: GABRA2 (gamma-aminobutyric acid type A receptor subunit alpha2; minus strand). Cytogenetic location: 4p12.
Variant type: single nucleotide variant.
Coding change: c.805C>G on transcript NM_000807.4 (MANE Select); coding-DNA position 805, C replaced by G.
Protein change: p.Gln269Glu; replaces glutamine 269 with glutamic acid.
Molecular consequence: missense variant.
Genome position (GRCh38, 1-based): chr4:46,303,511, G>C on the plus strand (C>G on the coding strand, the complement: GABRA2 is on the minus strand). VCF-style: chr4-46303511-G-C. GRCh37 (hg19) VCF-style: chr4-46305528-G-C.
Other names: c.805C>G, p.Gln269Glu (NM_001114175.3, NM_001330690.2, NM_001377144.1 and 8 more transcripts); c.640C>G, p.Gln214Glu (NM_001286827.3, NM_001377152.1, NM_001377153.1 and 1 more transcripts); short protein forms Q269E, Q214E.
Identifiers: ClinVar variation 2367391 (VCV002367391.2), dbSNP rs2475627083, ClinGen allele CA356798329.

ClinVar aggregate classification (germline): Uncertain significance (1 of 4 stars; one submission).

Conditions:
Inborn genetic diseases. Identifiers: MedGen C0950123, MeSH D030342.

Submission:

Ambry Genetics
Classification: Uncertain significance for Inborn genetic diseases. Last evaluated: 2020-12-18. Review status: criteria provided, single submitter. Criteria: Ambry Variant Classification Scheme 2023. Collection method: clinical testing. Allele origin: germline.
Comment: The c.805C>G (p.Q269E) alteration is located in coding exon 7 of the GABRA2 gene. This alteration results from a C to G substitution at nucleotide position 805, causing the glutamine (Q) at amino acid position 269 to be replaced by a glutamic acid (E). Based on data from the Genome Aggregation Database (gnomAD), the GABRA2 c.805C>G alteration was not observed, with coverage at this position. The p.Q269 amino acid is conserved in available vertebrate species. The p.Q269E alteration is predicted to be deleterious by in silico analysis. This missense alteration is located in a region that has a low rate of benign missense variation (Lek, 2016; Firth, 2009). Based on insufficient or conflicting evidence, the clinical significance of this alteration remains unclear.